The following is an entry in ClinVar:

ClinVar aggregate classification (germline): Likely benign (1 of 4 stars; one submission).

gnomAD v4.1: 455 of 1,611,646 alleles (0.028%); highest among the groups gnomAD compares: Middle Eastern, 0.2%; 1 homozygote.

Submission:

CeGaT Center for Human Genetics Tuebingen
Classification: Likely benign. Last evaluated: 2026-07-01. Review status: criteria provided, single submitter. Criteria: CeGaT Center For Human Genetics Tuebingen Variant Classification Criteria Version 2. Collection method: clinical testing. Allele origin: germline. Affected: yes. Observed: 1 variant allele.
Comment: USP25: BP4, BP7

NM_001283041.3(USP25):c.471C>T (p.Asn157=)

Gene: USP25 (ubiquitin specific peptidase 25; plus strand). Cytogenetic location: 21q21.1.
Variant type: single nucleotide variant.
Coding change: c.471C>T on transcript NM_001283041.3 (MANE Select); coding-DNA position 471, C replaced by T.
Protein change: p.Asn157=; no amino-acid change (asparagine 157 retained).
Molecular consequence: synonymous variant. On other transcripts: 5 prime UTR variant (6).
Genome position (GRCh38, 1-based): chr21:15,791,580, C>T. VCF-style: chr21-15791580-C-T. GRCh37 (hg19) VCF-style: chr21-17163899-C-T.
Other names: c.471C>T, p.Asn157= (NM_001283042.3, NM_013396.6); c.-193C>T (NM_001352560.2, NM_001388299.1); c.-866C>T (NM_001352561.2, NM_001388301.1, NM_001388302.1); c.-614C>T (NM_001388300.1).
Identifiers: ClinVar variation 5038619 (VCV005038619.1).